The following is an entry in ClinVar:

NM_001122681.2(SH3BP2):c.239G>A (p.Arg80Gln)

Gene: SH3BP2 (SH3 domain binding protein 2; plus strand). Cytogenetic location: 4p16.3.
Variant type: single nucleotide variant.
Coding change: c.239G>A on transcript NM_001122681.2 (MANE Select); coding-DNA position 239, G replaced by A.
Protein change: p.Arg80Gln; replaces arginine 80 with glutamine.
Molecular consequence: missense variant.
Genome position (GRCh38, 1-based): chr4:2,823,037, G>A. VCF-style: chr4-2823037-G-A. GRCh37 (hg19) VCF-style: chr4-2824764-G-A.
Other names: c.239G>A, p.Arg80Gln (LRG_1334t1, NM_003023.4); c.323G>A, p.Arg108Gln (LRG_1334t2, NM_001145855.2); c.410G>A, p.Arg137Gln (NM_001145856.2); short protein forms R80Q, R108Q, R137Q.
Identifiers: ClinVar variation 348568 (VCV000348568.19), dbSNP rs147432096, ClinGen allele CA2818946.

ClinVar aggregate classification (germline): Benign/Likely benign. Review status: criteria provided, multiple submitters, no conflicts (2 of 4 stars). 5 submissions from 5 submitters: Benign (1); Likely benign (3). 1 of the submissions does not count toward it. Last evaluated 2026-01-18.

Conditions:
Intellectual disability. Also called: Intellectual functioning disability; Intellectual developmental disorder; intellectual disabilities. Identifiers: MedGen C3714756, MeSH D008607, MONDO:0001071, HP:0001249.
SH3BP2-related disorder. Also called: SH3BP2-related condition.
Fibrous dysplasia of jaw (CRBM). Also called: Cherubism. Identifiers: Orphanet 184, MedGen C0008029, MONDO:0007315, OMIM 118400.

Allele frequency attached by ClinVar (database versions not stated): ExAC 0.00044; TOPMed 0.00058; gnomAD 0.00061; gnomAD exomes 0.00062 and 0.00036; ESP Exome Variant Server 0.00077.
gnomAD v4.1: 993 of 1,610,560 alleles (0.062%); highest among the groups gnomAD compares: Non-Finnish European, 0.079%; 3 homozygotes.

Submissions (6):

Labcorp Genetics (formerly Invitae), Labcorp
Classification: Likely benign for Fibrous dysplasia of jaw. Last evaluated: 2026-01-18. Review status: criteria provided, single submitter. Criteria: Invitae Variant Classification Sherloc (09022015). Collection method: clinical testing. Allele origin: germline.

Blueprint Genetics
Classification: Likely benign. Last evaluated: 2024-10-29. Review status: criteria provided, single submitter. Criteria: ACMG Guidelines, 2015. Collection method: clinical testing. Allele origin: germline.

Cambridge Genomics Laboratory, East Genomic Laboratory Hub, NHS Genomic Medicine Service
Classification: Likely benign for Intellectual disability. Last evaluated: 2020-07-13. Review status: criteria provided, single submitter. Criteria: ACGS Best Practice Guidelines for Variant Classification in Rare Disease 2020. Collection method: clinical testing. Allele origin: germline. Affected: yes. Observed: 1 variant allele.

Illumina Laboratory Services, Illumina
Classification: Benign for Fibrous dysplasia of jaw. Last evaluated: 2018-01-13. Review status: criteria provided, single submitter. Criteria: ICSL Variant Classification Criteria 13 December 2019. Collection method: clinical testing. Allele origin: germline.
Comment: This variant was observed in the ICSL laboratory as part of a predisposition screen in an ostensibly healthy population. It had not been previously curated by ICSL or reported in the Human Gene Mutation Database (HGMD: prior to June 1st, 2018), and was therefore a candidate for classification through an automated scoring system. Utilizing variant allele frequency, disease prevalence and penetrance estimates, and inheritance mode, an automated score was calculated to assess if this variant is too frequent to cause the disease. Based on the score and internal cut-off values, a variant classified as benign is not then subjected to further curation. The score for this variant resulted in a classification of benign for this disease.

PreventionGenetics, part of Exact Sciences
Classification: Likely benign for SH3BP2-related condition. Last evaluated: 2024-09-19. Review status: no assertion criteria provided. Collection method: clinical testing. Allele origin: germline. Not counted in ClinVar's aggregate classification.
Comment: This variant is classified as likely benign based on ACMG/AMP sequence variant interpretation guidelines (Richards et al. 2015 PMID: 25741868, with internal and published modifications).

Dr. Peter K. Rogan Lab, Western University
No classification provided (evidence only). Condition: Acute myeloid leukemia. Review status: no classification provided. Collection method: in vitro. Allele origin: not applicable. Functional consequence: retained intron. Not counted in ClinVar's aggregate classification.